The following is an entry in ClinVar:

NM_001099922.3(ALG13):c.563C>G (p.Ser188Cys)

Gene: ALG13 (ALG13 UDP-N-acetylglucosaminyltransferase subunit; plus strand). Cytogenetic location: Xq23.
Variant type: single nucleotide variant.
Coding change: c.563C>G on transcript NM_001099922.3 (MANE Select); coding-DNA position 563, C replaced by G.
Protein change: p.Ser188Cys; replaces serine 188 with cysteine.
Molecular consequence: missense variant. On other transcripts: non-coding transcript variant (1).
Genome position (GRCh38, 1-based): chrX:111,708,206, C>G. VCF-style: chrX-111708206-C-G. GRCh37 (hg19) VCF-style: chrX-110951434-C-G.
Other names: c.251C>G, p.Ser84Cys (NM_001257230.2, NM_001257234.2, NM_001257237.2 and 1 more transcripts); c.329C>G, p.Ser110Cys (NM_001257231.2); c.563C>G, p.Ser188Cys (NM_001324292.2); short protein forms S110C, S188C, S84C.
Identifiers: ClinVar variation 1402447 (VCV001402447.8), dbSNP rs772044321, ClinGen allele CA414249568.

ClinVar aggregate classification (germline): Uncertain significance (1 of 4 stars; one submission).

Conditions:
Developmental and epileptic encephalopathy, 36 (DEE36). Also called: Epileptic encephalopathy, early infantile, 36; Congenital disorder of glycosylation, type Is; ALG13-CDG. Identifiers: Orphanet 324422, MedGen C4317295, MONDO:0010472, OMIM 300884.

Allele frequency attached by ClinVar (database versions not stated): TOPMed 0.00001.

Submission:

Labcorp Genetics (formerly Invitae), Labcorp
Classification: Uncertain significance for Developmental and epileptic encephalopathy, 36. Last evaluated: 2022-08-09. Review status: criteria provided, single submitter. Criteria: Invitae Variant Classification Sherloc (09022015). Collection method: clinical testing. Allele origin: germline.
Comment: In summary, the available evidence is currently insufficient to determine the role of this variant in disease. Therefore, it has been classified as a Variant of Uncertain Significance. Algorithms developed to predict the effect of missense changes on protein structure and function output the following: SIFT: "Tolerated"; PolyPhen-2: "Benign"; Align-GVGD: "Class C0". The cysteine amino acid residue is found in multiple mammalian species, which suggests that this missense change does not adversely affect protein function. ClinVar contains an entry for this variant (Variation ID: 1402447). This variant has not been reported in the literature in individuals affected with ALG13-related conditions. This variant is not present in population databases (gnomAD no frequency). This sequence change replaces serine, which is neutral and polar, with cysteine, which is neutral and slightly polar, at codon 188 of the ALG13 protein (p.Ser188Cys).